The following is an entry in ClinVar:

ClinVar aggregate classification (germline): Pathogenic. Review status: criteria provided, multiple submitters, no conflicts (2 of 4 stars). 2 submissions from 2 submitters: Pathogenic (2). Last evaluated 2026-04-09.

Conditions:
Cerebral cavernous malformation 2. Also called: Familial Cerebral Cavernous Malformation 2. Identifiers: Orphanet 221061, MedGen C1864041, MONDO:0011304, OMIM 603284.

gnomAD v4.1: 1 of 1,614,080 alleles (0.000062%); highest among the groups gnomAD compares: Non-Finnish European, 0.000085%; no homozygotes.

Submissions (2):

GeneDx
Classification: Pathogenic. Last evaluated: 2026-04-09. Review status: criteria provided, single submitter. Criteria: GeneDx Variant Classification Process June 2021. Collection method: clinical testing. Allele origin: germline.
Comment: Canonical splice site variant predicted to result in a null allele in a gene for which loss of function is a known mechanism of disease; Not observed at significant frequency in large population cohorts (gnomAD); Has not been previously published as pathogenic or benign to our knowledge

Labcorp Genetics (formerly Invitae), Labcorp
Classification: Pathogenic for Cerebral cavernous malformation 2. Last evaluated: 2025-07-03. Review status: criteria provided, single submitter. Criteria: Invitae Variant Classification Sherloc (09022015). Collection method: clinical testing. Allele origin: germline.
Comment: This sequence change affects an acceptor splice site in intron 4 of the CCM2 gene. It is expected to disrupt RNA splicing. Variants that disrupt the donor or acceptor splice site typically lead to a loss of protein function (PMID: 16199547), and loss-of-function variants in CCM2 are known to be pathogenic (PMID: 18300272, 24689081). This variant is not present in population databases (gnomAD no frequency). Disruption of this splice site has been observed in individual(s) with clinical features of CCM2-related conditions (internal data). ClinVar contains an entry for this variant (Variation ID: 3777438). Algorithms developed to predict the effect of sequence changes on RNA splicing suggest that this variant may disrupt the consensus splice site. For these reasons, this variant has been classified as Pathogenic.

Literature cited by the submitters: PubMed 16199547 (cited by Labcorp Genetics (formerly Invitae), Labcorp); PubMed 18300272 (cited by Labcorp Genetics (formerly Invitae), Labcorp); PubMed 24689081 (cited by Labcorp Genetics (formerly Invitae), Labcorp).

NM_031443.4(CCM2):c.473-1G>T

Gene: CCM2 (CCM2 scaffold protein; plus strand). Cytogenetic location: 7p13.
Variant type: single nucleotide variant.
Coding change: c.473-1G>T on transcript NM_031443.4 (MANE Select); the canonical splice acceptor site of the intron before coding-DNA position 473, G replaced by T.
Molecular consequence: splice acceptor variant. On other transcripts: intron variant (1).
Genome position (GRCh38, 1-based): chr7:45,068,442, G>T. VCF-style: chr7-45068442-G-T. GRCh37 (hg19) VCF-style: chr7-45108041-G-T.
Other names: c.473-1G>T (NM_001363458.2); c.472+3796G>T (NM_001167935.2); c.299-1G>T (NM_001363459.2, NM_001167934.2); c.536-1G>T (NM_001029835.2).
Identifiers: ClinVar variation 3777438 (VCV003777438.3).
Genomic context (GRCh38, chr7:45,068,442, plus strand): 5'-CTCAAGTGCCCCCATGCCTGCCCTTCCACTGTGCTAAACTGAGATGGTGTTGACTTCTCA[G>T]CCCAGGACCCAGGGATCTCCCCCAGCCAGAGTCTGTGTGCGGAAAGTTCCAGAGGCCTCA-3'